The following is an entry in ClinVar:

NM_001039591.3(USP9X):c.5190G>T (p.Arg1730Ser)

Gene: USP9X (ubiquitin specific peptidase 9 X-linked; plus strand). Cytogenetic location: Xp11.4.
Variant type: single nucleotide variant.
Coding change: c.5190G>T on transcript NM_001039591.3 (MANE Select); coding-DNA position 5190, G replaced by T.
Protein change: p.Arg1730Ser; replaces arginine 1730 with serine.
Molecular consequence: missense variant.
Genome position (GRCh38, 1-based): chrX:41,214,568, G>T. VCF-style: chrX-41214568-G-T. GRCh37 (hg19) VCF-style: chrX-41073821-G-T.
Other names: c.5190G>T, p.Arg1730Ser (NM_001039590.3); short protein forms R1730S.
Identifiers: ClinVar variation 1321280 (VCV001321280.1), dbSNP rs2147242046, ClinGen allele CA412787253.

ClinVar aggregate classification (germline): Uncertain significance (1 of 4 stars; one submission).

Conditions:
Intellectual developmental disorder, X-linked 99. Also called: Intellectual disability, X-linked 99. Identifiers: Orphanet 777, MedGen C3806746, MONDO:0010487, OMIM 300919.

Submission:

3billion
Classification: Uncertain significance for Intellectual developmental disorder, X-linked 99. Last evaluated: 2021-10-25. Review status: criteria provided, single submitter. Criteria: ACMG Guidelines, 2015. Collection method: clinical testing. Allele origin: unknown. Affected: yes. Observed: 1 hemizygote.
Comment: This varant is not observed in the gnomAD v2.1.1 dataset (PM2). In silico tool predictions suggest damaging effect of the variant on gene or gene product (3Cnet: 0.684, PP3). Therefore, this variant is classified as uncertain significance according to the recommendation of ACMG/AMP guideline.